The following is an entry in ClinVar:

ClinVar aggregate classification (germline): Conflicting classifications of pathogenicity. Review status: criteria provided, conflicting classifications (1 of 4 stars). 4 submissions from 4 submitters: Uncertain significance (3); Likely benign (1). Last evaluated 2026-06-16.

Conditions:
Hereditary cancer-predisposing syndrome. Also called: Hereditary Cancer Syndrome; Tumor predisposition; Hereditary neoplastic syndrome; Neoplastic Syndromes, Hereditary. Identifiers: Orphanet 140162, MedGen C0027672, MeSH D009386, MONDO:0015356.
Familial cancer of breast. Also called: Hereditary breast cancer; hereditary breast carcinoma; BREAST CANCER, FAMILIAL. Identifiers: Orphanet 227535, MedGen C0346153, MONDO:0016419, OMIM 114480. Disease mechanism: loss of function.
Hereditary diffuse gastric adenocarcinoma (HDGC). Also called: DIFFUSE GASTRIC AND LOBULAR BREAST CANCER SYNDROME. Identifiers: Orphanet 26106, MedGen C1708349, MONDO:0007648, OMIM 137215.

Allele frequency attached by ClinVar (database versions not stated): gnomAD exomes below 0.00001.
gnomAD v4.1: 3 of 1,614,070 alleles (0.00019%); highest among the groups gnomAD compares: Non-Finnish European, 0.00025%; no homozygotes.

Submissions (4):

Ambry Genetics
Classification: Likely benign for Hereditary cancer-predisposing syndrome. Last evaluated: 2026-06-16. Review status: criteria provided, single submitter. Criteria: Ambry Variant Classification Scheme 2023. Collection method: clinical testing. Allele origin: germline.

Baylor Genetics
Classification: Uncertain significance for Familial cancer of breast. Last evaluated: 2024-02-06. Review status: criteria provided, single submitter. Criteria: ACMG Guidelines, 2015. Collection method: clinical testing. Allele origin: unknown.

Color Diagnostics, LLC DBA Color Health
Classification: Uncertain significance for Hereditary cancer-predisposing syndrome. Last evaluated: 2023-12-05. Review status: criteria provided, single submitter. Criteria: ACMG Guidelines, 2015. Collection method: clinical testing. Allele origin: germline.
Comment: This missense variant replaces threonine with alanine at codon 295 of the CDH1 protein. To our knowledge, functional studies have not been reported for this variant. This variant has not been reported in individuals affected with CDH1-related disorders in the literature. This variant has not been identified in the general population by the Genome Aggregation Database (gnomAD). The available evidence is insufficient to determine the role of this variant in disease conclusively. Therefore, this variant is classified as a Variant of Uncertain Significance.

Labcorp Genetics (formerly Invitae), Labcorp
Classification: Uncertain significance for Hereditary diffuse gastric adenocarcinoma. Last evaluated: 2022-11-18. Review status: criteria provided, single submitter. Criteria: Invitae Variant Classification Sherloc (09022015). Collection method: clinical testing. Allele origin: germline.
Comment: This variant is not present in population databases (gnomAD no frequency). This sequence change replaces threonine, which is neutral and polar, with alanine, which is neutral and non-polar, at codon 295 of the CDH1 protein (p.Thr295Ala). This variant has not been reported in the literature in individuals affected with CDH1-related conditions. ClinVar contains an entry for this variant (Variation ID: 491559). Algorithms developed to predict the effect of missense changes on protein structure and function are either unavailable or do not agree on the potential impact of this missense change (SIFT: "Deleterious"; PolyPhen-2: "Possibly Damaging"; Align-GVGD: "Class C0"). In summary, the available evidence is currently insufficient to determine the role of this variant in disease. Therefore, it has been classified as a Variant of Uncertain Significance.

NM_004360.5(CDH1):c.883A>G (p.Thr295Ala)

Gene: CDH1 (cadherin 1; plus strand). Cytogenetic location: 16q22.1.
Variant type: single nucleotide variant.
Coding change: c.883A>G on transcript NM_004360.5 (MANE Select); coding-DNA position 883, A replaced by G.
Protein change: p.Thr295Ala; replaces threonine 295 with alanine.
Molecular consequence: missense variant. On other transcripts: 5 prime UTR variant (2).
Genome position (GRCh38, 1-based): chr16:68,811,734, A>G. VCF-style: chr16-68811734-A-G. GRCh37 (hg19) VCF-style: chr16-68845637-A-G.
Other names: c.883A>G (LRG_301t1); c.883A>G, p.Thr295Ala (NM_001317184.2); c.-733A>G (NM_001317185.2); c.-937A>G (NM_001317186.2); short protein forms T295A.
Identifiers: ClinVar variation 491559 (VCV000491559.16), dbSNP rs1555515611, ClinGen allele CA396459643.
Genomic context (GRCh38, chr16:68,811,734, plus strand): 5'-ACTCTTCCAGGAACCTCTGTGATGGAGGTCACAGCCACAGACGCGGACGATGATGTGAAC[A>G]CCTACAATGCCGCCATCGCTTACACCATCCTCAGCCAAGATCCTGAGCTCCCTGACAAAA-3'
Protein context (NP_004351.1, residues 285-305): TATDADDDVN[Thr295Ala]YNAAIAYTIL